The following is an entry in ClinVar:

ClinVar aggregate classification (germline): Likely pathogenic (1 of 4 stars; one submission).

Conditions:
Cholestasis, progressive familial intrahepatic, 12 (PFIC12). Also called: CHOLESTASIS, ISOLATED LOW-GGT. Identifiers: MedGen C5774311, MONDO:0031040, OMIM 620010.

Submission:

Center for Precision Genome Editing and Genetic Technologies for Biomedicine, Pirogov Russian National Research Medical University
Classification: Likely pathogenic for Cholestasis, progressive familial intrahepatic, 12. Last evaluated: 2024-07-01. Review status: criteria provided, single submitter. Criteria: ACMG Guidelines, 2015. Collection method: clinical testing. Allele origin: unknown. Inheritance: Autosomal recessive inheritance. Affected: yes. Observed: 1 heterozygote.
Comment: VPS33B(NM_018668.5):c.853-1G>C The variant affects the canonical splice site, which is a known mechanism of disease, PVS1. This variant has not been detected in control samples or in patients with Cholestasis, progressive familial intrahepatic, 12 (OMIM: 620010), so the PM2 criterion applies. BayesDel addAF and BayesDel no AF programs are considered a pathogenic option, PP3 criterion. Based on the applied ACMG/AMP criteria (PVS1, PM2, PP3), this variant meets the classification of pathogenic for Cholestasis, progressive familial intrahepatic, 12.

NM_018668.5(VPS33B):c.853-1G>C

Gene: VPS33B (VPS33B late endosome and lysosome associated; minus strand). Cytogenetic location: 15q26.1.
Variant type: single nucleotide variant.
Coding change: c.853-1G>C on transcript NM_018668.5 (MANE Select); the canonical splice acceptor site of the intron before coding-DNA position 853, G replaced by C.
Molecular consequence: splice acceptor variant.
Genome position (GRCh38, 1-based): chr15:91,006,060, C>G on the plus strand (G>C on the coding strand, the complement: VPS33B is on the minus strand). VCF-style: chr15-91006060-C-G. GRCh37 (hg19) VCF-style: chr15-91549290-C-G.
Other names: c.772-1G>C (NM_001289148.1); c.580-1G>C (NM_001289149.1).
Identifiers: ClinVar variation 3602638 (VCV003602638.2), dbSNP rs765416883.